The following is an entry in ClinVar:

NM_005228.5(EGFR):c.3623T>C (p.Ile1208Thr)

Gene: EGFR (epidermal growth factor receptor; plus strand). Cytogenetic location: 7p11.2.
Variant type: single nucleotide variant.
Coding change: c.3623T>C on transcript NM_005228.5 (MANE Select); coding-DNA position 3623, T replaced by C.
Protein change: p.Ile1208Thr; replaces isoleucine 1208 with threonine.
Molecular consequence: missense variant.
Genome position (GRCh38, 1-based): chr7:55,205,607, T>C. VCF-style: chr7-55205607-T-C. GRCh37 (hg19) VCF-style: chr7-55273300-T-C.
Other names: c.3488T>C, p.Ile1163Thr (NM_001346899.2); c.3464T>C, p.Ile1155Thr (NM_001346900.2); c.2822T>C, p.Ile941Thr (NM_001346941.2); c.3623T>C (NM_005228.3); short protein forms I1163T, I1208T, I1155T, I941T.
Identifiers: ClinVar variation 1462745 (VCV001462745.9), dbSNP rs2128975695, ClinGen allele CA367585035.

ClinVar aggregate classification (germline): Uncertain significance. Review status: criteria provided, multiple submitters, no conflicts (2 of 4 stars). 2 submissions from 2 submitters: Uncertain significance (2). Last evaluated 2025-02-04.

Conditions:
Hereditary cancer-predisposing syndrome. Also called: Tumor predisposition; Hereditary neoplastic syndrome; Hereditary Cancer Syndrome; Neoplastic Syndromes, Hereditary. Identifiers: Orphanet 140162, MedGen C0027672, MeSH D009386, MONDO:0015356.
EGFR-related lung cancer (EGFR). Identifiers: MedGen CN130014.

Submissions (2):

Ambry Genetics
Classification: Uncertain significance for Hereditary cancer-predisposing syndrome. Last evaluated: 2025-02-04. Review status: criteria provided, single submitter. Criteria: Ambry Variant Classification Scheme 2023. Collection method: clinical testing. Allele origin: germline.
Comment: The p.I1208T variant (also known as c.3623T>C), located in coding exon 28 of the EGFR gene, results from a T to C substitution at nucleotide position 3623. The isoleucine at codon 1208 is replaced by threonine, an amino acid with similar properties. This amino acid position is conserved. In addition, this alteration is predicted to be tolerated by in silico analysis. Based on the available evidence, the clinical significance of this variant remains unclear.

Labcorp Genetics (formerly Invitae), Labcorp
Classification: Uncertain significance for EGFR-related lung cancer. Last evaluated: 2021-05-19. Review status: criteria provided, single submitter. Criteria: Invitae Variant Classification Sherloc (09022015). Collection method: clinical testing. Allele origin: germline.
Comment: In summary, the available evidence is currently insufficient to determine the role of this variant in disease. Therefore, it has been classified as a Variant of Uncertain Significance. Algorithms developed to predict the effect of missense changes on protein structure and function output the following: SIFT: "Deleterious"; PolyPhen-2: "Benign"; Align-GVGD: "Class C0". The threonine amino acid residue is found in multiple mammalian species, suggesting that this missense change does not adversely affect protein function. These predictions have not been confirmed by published functional studies and their clinical significance is uncertain. This variant has not been reported in the literature in individuals with EGFR-related conditions. This variant is not present in population databases (ExAC no frequency). This sequence change replaces isoleucine with threonine at codon 1208 of the EGFR protein (p.Ile1208Thr). The isoleucine residue is moderately conserved and there is a moderate physicochemical difference between isoleucine and threonine.